The following is an entry in ClinVar:

ClinVar aggregate classification (germline): Uncertain significance (1 of 4 stars; one submission).

Conditions:
Capillary malformation-arteriovenous malformation syndrome. Also called: Capillary malformation-arteriovenous malformation. Identifiers: Orphanet 137667, MedGen C1842180, MONDO:0012016.

gnomAD v4.1: 1 of 1,612,538 alleles (0.000062%); highest among the groups gnomAD compares: Non-Finnish European, 0.000085%; no homozygotes.

Submission:

Labcorp Genetics (formerly Invitae), Labcorp
Classification: Uncertain significance for Capillary malformation-arteriovenous malformation syndrome. Last evaluated: 2024-07-08. Review status: criteria provided, single submitter. Criteria: Invitae Variant Classification Sherloc (09022015). Collection method: clinical testing. Allele origin: germline.
Comment: This sequence change replaces threonine, which is neutral and polar, with isoleucine, which is neutral and non-polar, at codon 807 of the RASA1 protein (p.Thr807Ile). This variant is not present in population databases (gnomAD no frequency). This variant has not been reported in the literature in individuals affected with RASA1-related conditions. An algorithm developed to predict the effect of missense changes on protein structure and function (PolyPhen-2) suggests that this variant is likely to be disruptive. In summary, the available evidence is currently insufficient to determine the role of this variant in disease. Therefore, it has been classified as a Variant of Uncertain Significance.

NM_002890.3(RASA1):c.2420C>T (p.Thr807Ile)

Genes: CCNH (cyclin H; minus strand), RASA1 (RAS p21 protein activator 1; plus strand). Cytogenetic location: 5q14.3.
Variant type: single nucleotide variant.
Coding change: c.2420C>T on transcript NM_002890.3 (MANE Select); coding-DNA position 2420, C replaced by T.
Protein change: p.Thr807Ile; replaces threonine 807 with isoleucine.
Molecular consequence: missense variant. On other transcripts: intron variant (1).
Genome position (GRCh38, 1-based): chr5:87,378,471, C>T. VCF-style: chr5-87378471-C-T. GRCh37 (hg19) VCF-style: chr5-86674288-C-T.
Other names: c.1889C>T, p.Thr630Ile (NM_022650.3); c.933+16573G>A (NM_001364075.2); short protein forms T630I, T807I.
Identifiers: ClinVar variation 3616896 (VCV003616896.2).